The following is an entry in ClinVar:

ClinVar aggregate classification (germline): Uncertain significance. Review status: criteria provided, multiple submitters, no conflicts (2 of 4 stars). 2 submissions from 2 submitters: Uncertain significance (2). Last evaluated 2024-10-09.

Conditions:
Inborn genetic diseases. Identifiers: MedGen C0950123, MeSH D030342.

Submissions (2):

Women's Health and Genetics/Laboratory Corporation of America, LabCorp
Classification: Uncertain significance. Last evaluated: 2024-10-09. Review status: criteria provided, single submitter. Criteria: LabCorp Variant Classification Summary - May 2015. Collection method: clinical testing. Allele origin: germline.
Comment: Variant summary: SETD1B c.1489G>C (p.Asp497His) results in a non-conservative amino acid change in the encoded protein sequence. Four of five in-silico tools predict a damaging effect of the variant on protein function. The frequency data for this variant in gnomAD is considered unreliable, as metrics indicate poor data quality at this position. To our knowledge, no occurrence of c.1489G>C in individuals affected with Intellectual Developmental Disorder With Seizures And Language Delay and no experimental evidence demonstrating its impact on protein function have been reported. ClinVar contains an entry for this variant (Variation ID: 3160604). Based on the evidence outlined above, the variant was classified as uncertain significance.

Ambry Genetics
Classification: Uncertain significance for Inborn genetic diseases. Last evaluated: 2021-12-03. Review status: criteria provided, single submitter. Criteria: Ambry Variant Classification Scheme 2023. Collection method: clinical testing. Allele origin: germline.

NM_001353345.2(SETD1B):c.1489G>C (p.Asp497His)

Gene: SETD1B (SET domain containing 1B, histone lysine methyltransferase; plus strand). Cytogenetic location: 12q24.31.
Variant type: single nucleotide variant.
Coding change: c.1489G>C on transcript NM_001353345.2 (MANE Select); coding-DNA position 1489, G replaced by C.
Protein change: p.Asp497His; replaces aspartic acid 497 with histidine.
Molecular consequence: missense variant.
Genome position (GRCh38, 1-based): chr12:121,810,434, G>C. VCF-style: chr12-121810434-G-C. GRCh37 (hg19) VCF-style: chr12-122248340-G-C.
Other names: NM_015048.1:c.1489G>C; short protein forms D497H.
Identifiers: ClinVar variation 3160604 (VCV003160604.2), dbSNP rs779883313, ClinGen allele CA244637011.